The following is an entry in ClinVar:

NM_021224.6(ZNF462):c.3572A>C (p.Glu1191Ala)

Gene: ZNF462 (zinc finger protein 462; plus strand). Cytogenetic location: 9q31.2.
Variant type: single nucleotide variant.
Coding change: c.3572A>C on transcript NM_021224.6 (MANE Select); coding-DNA position 3572, A replaced by C.
Protein change: p.Glu1191Ala; replaces glutamic acid 1191 with alanine.
Molecular consequence: missense variant. On other transcripts: intron variant (1).
Genome position (GRCh38, 1-based): chr9:106,927,484, A>C. VCF-style: chr9-106927484-A-C. GRCh37 (hg19) VCF-style: chr9-109689765-A-C.
Other names: c.3252+320A>C (NM_001347997.2); short protein forms E1191A.
Identifiers: ClinVar variation 3572433 (VCV003572433.2).

ClinVar aggregate classification (germline): Uncertain significance (1 of 4 stars; one submission).

Submission:

GeneDx
Classification: Uncertain significance. Last evaluated: 2025-11-21. Review status: criteria provided, single submitter. Criteria: GeneDx Variant Classification Process June 2021. Collection method: clinical testing. Allele origin: germline.
Comment: Not observed at significant frequency in large population cohorts (gnomAD); In silico analysis indicates that this missense variant does not alter protein structure/function; Has not been previously published as pathogenic or benign to our knowledge